The following is an entry in ClinVar:

ClinVar aggregate classification (germline): Uncertain significance (1 of 4 stars; one submission).

Conditions:
Inborn genetic diseases. Identifiers: MedGen C0950123, MeSH D030342.

Submission:

Ambry Genetics
Classification: Uncertain significance for Inborn genetic diseases. Last evaluated: 2025-07-28. Review status: criteria provided, single submitter. Criteria: Ambry Variant Classification Scheme 2023. Collection method: clinical testing. Allele origin: germline.
Comment: The p.S93C variant (also known as c.278C>G), located in coding exon 1 of the KDM1A gene, results from a C to G substitution at nucleotide position 278. The serine at codon 93 is replaced by cysteine, an amino acid with dissimilar properties. This amino acid position is conserved. In addition, this alteration is predicted to be tolerated by in silico analysis. Based on the available evidence, the clinical significance of this variant remains unclear.

NM_001009999.3(KDM1A):c.278C>G (p.Ser93Cys)

Gene: KDM1A (lysine demethylase 1A; plus strand). Cytogenetic location: 1p36.12.
Variant type: single nucleotide variant.
Coding change: c.278C>G on transcript NM_001009999.3 (MANE Select); coding-DNA position 278, C replaced by G.
Protein change: p.Ser93Cys; replaces serine 93 with cysteine.
Molecular consequence: missense variant.
Genome position (GRCh38, 1-based): chr1:23,019,874, C>G. VCF-style: chr1-23019874-C-G. GRCh37 (hg19) VCF-style: chr1-23346367-C-G.
Other names: c.278C>G, p.Ser93Cys (NM_001363654.2, NM_001410762.1, NM_001410763.1 and 1 more transcripts); short protein forms S93C.
Identifiers: ClinVar variation 4091074 (VCV004091074.1).